The following is an entry in ClinVar:

NM_000238.4(KCNH2):c.2609G>C (p.Gly870Ala)

Gene: KCNH2 (potassium voltage-gated channel subfamily H member 2; minus strand). Cytogenetic location: 7q36.1.
Variant type: single nucleotide variant.
Coding change: c.2609G>C on transcript NM_000238.4 (MANE Select); coding-DNA position 2609, G replaced by C.
Protein change: p.Gly870Ala; replaces glycine 870 with alanine.
Molecular consequence: missense variant. On other transcripts: non-coding transcript variant (2).
Genome position (GRCh38, 1-based): chr7:150,948,527, C>G on the plus strand (G>C on the coding strand, the complement: KCNH2 is on the minus strand). VCF-style: chr7-150948527-C-G. GRCh37 (hg19) VCF-style: chr7-150645615-C-G.
Other names: c.2321G>C, p.Gly774Ala (NM_001406753.1); c.1589G>C, p.Gly530Ala (NM_172057.3); short protein forms G774A, G870A, G530A.
Identifiers: ClinVar variation 3717902 (VCV003717902.2).

ClinVar aggregate classification (germline): Uncertain significance (1 of 4 stars; one submission).

Conditions:
Long QT syndrome (LQTS). Identifiers: MedGen C0023976, MeSH D008133, MONDO:0002442. Disease mechanism: loss of function. Inheritance: Various modes of inheritance.

Submission:

Labcorp Genetics (formerly Invitae), Labcorp
Classification: Uncertain significance for Long QT syndrome. Last evaluated: 2024-12-10. Review status: criteria provided, single submitter. Criteria: Invitae Variant Classification Sherloc (09022015). Collection method: clinical testing. Allele origin: germline.
Comment: This sequence change replaces glycine, which is neutral and non-polar, with alanine, which is neutral and non-polar, at codon 870 of the KCNH2 protein (p.Gly870Ala). This variant is not present in population databases (gnomAD no frequency). This variant has not been reported in the literature in individuals affected with KCNH2-related conditions. An algorithm developed to predict the effect of missense changes on protein structure and function (PolyPhen-2) suggests that this variant is likely to be tolerated. In summary, the available evidence is currently insufficient to determine the role of this variant in disease. Therefore, it has been classified as a Variant of Uncertain Significance.